The following is an entry in ClinVar:

NM_000202.8(IDS):c.582_595delinsG (p.Thr195fs)

Genes: IDS (iduronate 2-sulfatase; minus strand), LOC106050102 (IDS recombination region; plus strand). Cytogenetic location: Xq28.
Variant type: Indel.
Coding change: c.582_595delinsG on transcript NM_000202.8 (MANE Select); coding-DNA positions 582 to 595, CACCTTGCCTGACA replaced by G.
Protein change: p.Thr195fs; shifts the reading frame from threonine 195.
Molecular consequence: frameshift variant. On other transcripts: non-coding transcript variant (1).
Genome position (GRCh38, 1-based): chrX:149,498,220-149,498,233, TGTCAGGCAAGGTG replaced by C on the plus strand (CACCTTGCCTGACA replaced by G on the coding strand, the reverse complement: IDS is on the minus strand). VCF-style: chrX-149498220-TGTCAGGCAAGGTG-C. GRCh37 (hg19) VCF-style: chrX-148579751-TGTCAGGCAAGGTG-C.
Other names: c.312_325delinsG, p.Thr105fs (NM_001166550.4); c.582_595delinsG, p.Thr195fs (NM_006123.5); short protein forms T105fs, T195fs.
Identifiers: ClinVar variation 3255770 (VCV003255770.2).

ClinVar aggregate classification (germline): Pathogenic (1 of 4 stars; one submission).

Conditions:
Mucopolysaccharidosis, MPS-II (MPS2). Also called: Hunter Syndrome; IDURONATE 2-SULFATASE DEFICIENCY; Mucopolysaccharidosis Type II; Mucopolysaccharidosis type 2; Attenuated MPS (subtype; formerly known as mild MPS II); Severe MPS II. Identifiers: Orphanet 580, Orphanet 79388, MedGen C0026705, MONDO:0010674, OMIM 309900.

Submission:

Laboratory of Diagnosis and Therapy of Lysosomal Disorders, University of Padova
Classification: Pathogenic for Mucopolysaccharidosis, MPS-II. Last evaluated: 2024-06-07. Review status: criteria provided, single submitter. Criteria: ACMG Guidelines, 2015. Collection method: literature only. Allele origin: germline. Affected: yes. Observed: 1 variant allele.
Comment: Null variant (PVS1_VeryStrong), Absent from controls (or at low frequency) in gnomAD database (PM2_Moderate), Patient’s phenotype or family history highly specific for the disease (PP4_Strong)

Classification method: ACMG Guidelines [PMID:25741868] with modifications

Literature cited by the submitters: PubMed 15797184.